The following is an entry in ClinVar:

NM_022166.4(XYLT1):c.421C>T (p.Arg141Trp)

Genes: XYLT1 (xylosyltransferase 1; minus strand), LOC130058566 (ATAC-STARR-seq lymphoblastoid active region 10505; plus strand). Cytogenetic location: 16p12.3.
Variant type: single nucleotide variant.
Coding change: c.421C>T on transcript NM_022166.4 (MANE Select); coding-DNA position 421, C replaced by T.
Protein change: p.Arg141Trp; replaces arginine 141 with tryptophan.
Molecular consequence: missense variant.
Genome position (GRCh38, 1-based): chr16:17,259,480, G>A on the plus strand (C>T on the coding strand, the complement: XYLT1 is on the minus strand). VCF-style: chr16-17259480-G-A. GRCh37 (hg19) VCF-style: chr16-17353337-G-A.
Other names: short protein forms R141W.
Identifiers: ClinVar variation 373449 (VCV000373449.14), dbSNP rs74993523, ClinGen allele CA7928199.

ClinVar aggregate classification (germline): Conflicting classifications of pathogenicity. Review status: criteria provided, conflicting classifications (1 of 4 stars). 4 submissions from 4 submitters: Uncertain significance (1); Likely benign (2). 1 of the submissions does not count toward it. Last evaluated 2026-01-17.

Conditions:
Desbuquois dysplasia 1 (DBQD1). Also called: MICROMELIC DWARFISM WITH VERTEBRAL AND METAPHYSEAL ABNORMALITIES AND ADVANCED CARPOTARSAL OSSIFICATION; DESBUQUOIS DYSPLASIA 1, KIM VARIANT. Identifiers: Orphanet 1425, MedGen C4012146, MONDO:0009629, OMIM 251450.
XYLT1-related disorder. Also called: XYLT1-related condition.
Inborn genetic diseases. Identifiers: MedGen C0950123, MeSH D030342.

Allele frequency attached by ClinVar (database versions not stated): 1000 Genomes Project 30x 0.00219; 1000 Genomes Project 0.00220; gnomAD 0.00252 and 0.00273; gnomAD exomes 0.00069; ExAC 0.00084; TOPMed 0.00284; ESP Exome Variant Server 0.00308.

Submissions (4):

Labcorp Genetics (formerly Invitae), Labcorp
Classification: Likely benign for Desbuquois dysplasia 1. Last evaluated: 2026-01-17. Review status: criteria provided, single submitter. Criteria: Invitae Variant Classification Sherloc (09022015). Collection method: clinical testing. Allele origin: germline.

Ambry Genetics
Classification: Likely benign for Inborn genetic diseases. Last evaluated: 2022-09-14. Review status: criteria provided, single submitter. Criteria: Ambry Variant Classification Scheme 2023. Collection method: clinical testing. Allele origin: germline.

GeneDx
Classification: Uncertain significance. Last evaluated: 2016-12-06. Review status: criteria provided, single submitter. Criteria: GeneDx Variant Classification (06012015). Collection method: clinical testing. Allele origin: germline. Affected: yes.
Comment: The R141W variant in the XYLT1 gene has not been reported previously as a pathogenic variant, nor as a benign variant, to our knowledge. The NHLBI ESP Exome Sequencing Project reports R141W was observed in 40/4394 (0.91%) alleles from individuals of African American background; however, this variant was not observed in the homozygous state in any individual within this population. The R141W variant is a non-conservative amino acid substitution, which is likely to impact secondary protein structure as these residues differ in polarity, charge, size and/or other properties. This substitution occurs at a position that is conserved across species. In silico analysis is inconsistent in its predictions as to whether or not the variant is damaging to the protein structure/function. We interpret R141W as a variant of uncertain significance.

PreventionGenetics, part of Exact Sciences
Classification: Benign for XYLT1-related condition. Last evaluated: 2019-06-06. Review status: no assertion criteria provided. Collection method: clinical testing. Allele origin: germline. Not counted in ClinVar's aggregate classification.
Comment: This variant is classified as benign based on ACMG/AMP sequence variant interpretation guidelines (Richards et al. 2015 PMID: 25741868, with internal and published modifications).